The following is an entry in ClinVar:

NM_025137.4(SPG11):c.2316+3A>C

Gene: SPG11 (SPG11 vesicle trafficking associated, spatacsin; minus strand). Cytogenetic location: 15q21.1.
Variant type: single nucleotide variant.
Coding change: c.2316+3A>C on transcript NM_025137.4 (MANE Select); 3 bases into the intron after coding-DNA position 2316, A replaced by C.
Molecular consequence: intron variant.
Genome position (GRCh38, 1-based): chr15:44,622,725, T>G on the plus strand (A>C on the coding strand, the complement: SPG11 is on the minus strand). VCF-style: chr15-44622725-T-G. GRCh37 (hg19) VCF-style: chr15-44914923-T-G.
Other names: c.2316+3A>C (NM_001160227.2).
Identifiers: ClinVar variation 1463524 (VCV001463524.6), dbSNP rs2083787952, ClinGen allele CA2573150877.
Genomic context (GRCh38, chr15:44,622,725, plus strand): 5'-CTTCCAAGTTTTTCACCCAGGCTTTCTAGAAAATGTATACTATGTAGTCTCACCTTTACC[T>G]ACCAAAAAGTCACGTATATTTTTATTAGTTGTATAGAAGCAGATCTTGAGCAATTGGCCT-3'

ClinVar aggregate classification (germline): Uncertain significance (1 of 4 stars; one submission).

Conditions:
Hereditary spastic paraplegia 11. Also called: Spastic Paraplegia 11; Nakamura Osame syndrome; Autosomal recessive hereditary spastic paraplegia, mental impairment, and thin corpus callosum; SPASTIC PARAPLEGIA, AUTOSOMAL RECESSIVE, COMPLICATED, WITH THIN CORPUS CALLOSUM; SPASTIC PARAPLEGIA, AUTOSOMAL RECESSIVE, WITH MENTAL IMPAIRMENT AND THIN CORPUS CALLOSUM; Spastic paraplegia, mental retardation and thin corpus callosum. Identifiers: Orphanet 2822, MedGen C1858479, MONDO:0011445, OMIM 604360.

Submission:

Labcorp Genetics (formerly Invitae), Labcorp
Classification: Uncertain significance for Hereditary spastic paraplegia 11. Last evaluated: 2022-06-08. Review status: criteria provided, single submitter. Criteria: Invitae Variant Classification Sherloc (09022015). Collection method: clinical testing. Allele origin: germline.
Comment: In summary, the available evidence is currently insufficient to determine the role of this variant in disease. Therefore, it has been classified as a Variant of Uncertain Significance. This sequence change falls in intron 12 of the SPG11 gene. It does not directly change the encoded amino acid sequence of the SPG11 protein. It affects a nucleotide within the consensus splice site. This variant is not present in population databases (gnomAD no frequency). This variant has not been reported in the literature in individuals affected with SPG11-related conditions. Variants that disrupt the consensus splice site are a relatively common cause of aberrant splicing (PMID: 17576681, 9536098). Algorithms developed to predict the effect of sequence changes on RNA splicing suggest that this variant may disrupt the consensus splice site.

Literature cited by the submitters: PubMed 17576681; PubMed 9536098.